The following is an entry in ClinVar:

ClinVar aggregate classification (germline): Likely benign. Review status: criteria provided, multiple submitters, no conflicts (2 of 4 stars). 2 submissions from 2 submitters: Likely benign (2). Last evaluated 2026-06-01.

gnomAD v4.1: 74 of 1,613,774 alleles (0.0046%); highest among the groups gnomAD compares: Middle Eastern, 0.016%; no homozygotes.

Submissions (2):

CeGaT Center for Human Genetics Tuebingen
Classification: Likely benign. Last evaluated: 2026-06-01. Review status: criteria provided, single submitter. Criteria: CeGaT Center For Human Genetics Tuebingen Variant Classification Criteria Version 2. Collection method: clinical testing. Allele origin: germline. Affected: yes. Observed: 1 variant allele.
Comment: DOCK3: BP4, BP7

Blueprint Genetics
Classification: Likely benign. Last evaluated: 2023-06-26. Review status: criteria provided, single submitter. Criteria: ACMG Guidelines, 2015. Collection method: clinical testing. Allele origin: germline.

NM_004947.5(DOCK3):c.5205G>A (p.Ser1735=)

Gene: DOCK3 (dedicator of cytokinesis 3; plus strand). Cytogenetic location: 3p21.2.
Variant type: single nucleotide variant.
Coding change: c.5205G>A on transcript NM_004947.5 (MANE Select); coding-DNA position 5205, G replaced by A.
Protein change: p.Ser1735=; no amino-acid change (serine 1735 retained).
Molecular consequence: synonymous variant.
Genome position (GRCh38, 1-based): chr3:51,362,586, G>A. VCF-style: chr3-51362586-G-A. GRCh37 (hg19) VCF-style: chr3-51400017-G-A.
Identifiers: ClinVar variation 4872565 (VCV004872565.3).